The following is an entry in ClinVar:

NM_033118.4(MYLK2):c.959C>T (p.Thr320Ile)

Gene: MYLK2 (myosin light chain kinase 2; plus strand). Cytogenetic location: 20q11.21.
Variant type: single nucleotide variant.
Coding change: c.959C>T on transcript NM_033118.4 (MANE Select); coding-DNA position 959, C replaced by T.
Protein change: p.Thr320Ile; replaces threonine 320 with isoleucine.
Molecular consequence: missense variant.
Genome position (GRCh38, 1-based): chr20:31,824,339, C>T. VCF-style: chr20-31824339-C-T. GRCh37 (hg19) VCF-style: chr20-30412142-C-T.
Other names: short protein forms T320I.
Identifiers: ClinVar variation 3876606 (VCV003876606.1).
Genomic context (GRCh38, chr20:31,824,339, plus strand): 5'-GTACCTGCATGGAGAAAGCCACAGGCCTCAAGCTGGCAGCCAAGGTCATCAAGAAACAGA[C>T]TCCCAAAGACAAGGTAGTGAGGTTGCGGGGGTGGTGGCTGCCCAGGATGGGGAGGGGATC-3'
Protein context (NP_149109.1, residues 310-330): KLAAKVIKKQ[Thr320Ile]PKDKEMVLLE

ClinVar aggregate classification (germline): Uncertain significance (1 of 4 stars; one submission).

gnomAD v4.1: 1 of 1,612,312 alleles (0.000062%); no homozygotes.

Submission:

Ambry Genetics
Classification: Uncertain significance. Last evaluated: 2024-12-31. Review status: criteria provided, single submitter. Criteria: Ambry Variant Classification Scheme 2023. Collection method: clinical testing. Allele origin: germline.
Comment: The p.T320I variant (also known as c.959C>T), located in coding exon 5 of the MYLK2 gene, results from a C to T substitution at nucleotide position 959. The threonine at codon 320 is replaced by isoleucine, an amino acid with similar properties. This amino acid position is conserved. In addition, this alteration is predicted to be tolerated by in silico analysis. Based on the available evidence, the clinical significance of this variant remains unclear.